The following is an entry in ClinVar:

ClinVar aggregate classification (germline): Uncertain significance (1 of 4 stars; one submission).

Conditions:
Ehlers-Danlos syndrome, kyphoscoliotic type 1 (EDSKSCL1). Also called: Ehlers-Danlos syndrome, hydroxylysine-deficient; EHLERS-DANLOS SYNDROME, OCULAR-SCOLIOTIC TYPE; EHLERS-DANLOS SYNDROME, TYPE VIA; PLOD1-Related Kyphoscoliotic Ehlers-Danlos Syndrome. Identifiers: Orphanet 1900, MedGen C0268342, MONDO:0016002, OMIM 225400. Disease mechanism: loss of function.

Submission:

Labcorp Genetics (formerly Invitae), Labcorp
Classification: Uncertain significance for Ehlers-Danlos syndrome, kyphoscoliotic type 1. Last evaluated: 2025-11-21. Review status: criteria provided, single submitter. Criteria: Invitae Variant Classification Sherloc (09022015). Collection method: clinical testing. Allele origin: germline.
Comment: This sequence change replaces valine, which is neutral and non-polar, with leucine, which is neutral and non-polar, at codon 301 of the PLOD1 protein (p.Val301Leu). This variant is not present in population databases (gnomAD no frequency). This variant has not been reported in the literature in individuals affected with PLOD1-related conditions. Invitae Evidence Modeling of protein sequence and biophysical properties (such as structural, functional, and spatial information, amino acid conservation, physicochemical variation, residue mobility, and thermodynamic stability) indicates that this missense variant is not expected to disrupt PLOD1 protein function with a negative predictive value of 95%. In summary, the available evidence is currently insufficient to determine the role of this variant in disease. Therefore, it has been classified as a Variant of Uncertain Significance.

NM_000302.4(PLOD1):c.901G>C (p.Val301Leu)

Gene: PLOD1 (procollagen-lysine,2-oxoglutarate 5-dioxygenase 1; plus strand). Cytogenetic location: 1p36.22.
Variant type: single nucleotide variant.
Coding change: c.901G>C on transcript NM_000302.4 (MANE Select); coding-DNA position 901, G replaced by C.
Protein change: p.Val301Leu; replaces valine 301 with leucine.
Molecular consequence: missense variant.
Genome position (GRCh38, 1-based): chr1:11,958,573, G>C. VCF-style: chr1-11958573-G-C. GRCh37 (hg19) VCF-style: chr1-12018630-G-C.
Other names: c.1042G>C, p.Val348Leu (NM_001316320.2); short protein forms V301L, V348L.
Identifiers: ClinVar variation 4753510 (VCV004753510.1).
Genomic context (GRCh38, chr1:11,958,573, plus strand): 5'-CAGGATGAAGCTCTGCCCACGGTCCTGGTCGGCGTGTTCATCGAACAGCCCACGCCGTTT[G>C]TGTCCCTGTTCTTCCAGCGGCTCCTGCGGCTCCACTACCCCCAGAAACACATGCGACTTT-3'
Protein context (NP_000293.2, residues 291-311): GVFIEQPTPF[Val301Leu]SLFFQRLLRL